The following is an entry in ClinVar:

ClinVar aggregate classification (germline): Uncertain significance (1 of 4 stars; one submission).

Conditions:
Peroxisome biogenesis disorder 3A (Zellweger). Also called: PEROXISOMAL BIOGENESIS DISORDER 3A (ZELLWEGER); Peroxisome biogenesis disorder 3A. Identifiers: Orphanet 912, MedGen C3553929, MONDO:0013927, OMIM 614859.

Allele frequency attached by ClinVar (database versions not stated): gnomAD exomes below 0.00001 and 0.00001; TOPMed below 0.00001; gnomAD 0.00001.

Submission:

Labcorp Genetics (formerly Invitae), Labcorp
Classification: Uncertain significance for Peroxisome biogenesis disorder 3A (Zellweger). Last evaluated: 2021-08-26. Review status: criteria provided, single submitter. Criteria: Invitae Variant Classification Sherloc (09022015). Collection method: clinical testing. Allele origin: germline.
Comment: This sequence change replaces aspartic acid with asparagine at codon 141 of the PEX12 protein (p.Asp141Asn). The aspartic acid residue is moderately conserved and there is a small physicochemical difference between aspartic acid and asparagine. This variant is not present in population databases (ExAC no frequency). This variant has not been reported in the literature in individuals affected with PEX12-related conditions. Algorithms developed to predict the effect of missense changes on protein structure and function are either unavailable or do not agree on the potential impact of this missense change (SIFT: "Tolerated"; PolyPhen-2: "Possibly Damaging"; Align-GVGD: "Class C0"). In summary, the available evidence is currently insufficient to determine the role of this variant in disease. Therefore, it has been classified as a Variant of Uncertain Significance.

NM_000286.3(PEX12):c.421G>A (p.Asp141Asn)

Gene: PEX12 (peroxisomal biogenesis factor 12; minus strand). Cytogenetic location: 17q12.
Variant type: single nucleotide variant.
Coding change: c.421G>A on transcript NM_000286.3 (MANE Select); coding-DNA position 421, G replaced by A.
Protein change: p.Asp141Asn; replaces aspartic acid 141 with asparagine.
Molecular consequence: missense variant.
Genome position (GRCh38, 1-based): chr17:35,577,297, C>T on the plus strand (G>A on the coding strand, the complement: PEX12 is on the minus strand). VCF-style: chr17-35577297-C-T. GRCh37 (hg19) VCF-style: chr17-33904316-C-T.
Other names: short protein forms D141N.
Identifiers: ClinVar variation 935954 (VCV000935954.7), dbSNP rs1260902616, ClinGen allele CA399138167.